The following is an entry in ClinVar:

NM_173560.4(RFX6):c.1733G>C (p.Arg578Pro)

Genes: RFX6 (regulatory factor X6; plus strand), LOC126859771 (BRD4-independent group 4 enhancer GRCh37_chr6:117246147-117247346; plus strand). Cytogenetic location: 6q22.1.
Variant type: single nucleotide variant.
Coding change: c.1733G>C on transcript NM_173560.4 (MANE Select); coding-DNA position 1733, G replaced by C.
Protein change: p.Arg578Pro; replaces arginine 578 with proline.
Molecular consequence: missense variant.
Genome position (GRCh38, 1-based): chr6:116,925,507, G>C. VCF-style: chr6-116925507-G-C. GRCh37 (hg19) VCF-style: chr6-117246670-G-C.
Other names: short protein forms R578P.
Identifiers: ClinVar variation 436531 (VCV000436531.50), dbSNP rs146115506, ClinGen allele CA3973396.
Genomic context (GRCh38, chr6:116,925,507, plus strand): 5'-TTCCAGATGCGAGTAAAGCTGCTTTCACTGCTTCTCCGAGTTCATGCTTTCTGGCCAACC[G>C]TAATAAAGGGAGCATGGTTTCCAGCGACGCTGTGAAGAATGAAAGCCACGTGGAGACAAC-3'
Protein context (NP_775831.2, residues 568-588): ASPSSCFLAN[Arg578Pro]NKGSMVSSDA

ClinVar aggregate classification (germline): Conflicting classifications of pathogenicity. Review status: criteria provided, conflicting classifications (1 of 4 stars). 11 submissions from 11 submitters: Uncertain significance (2); Likely benign (6). 3 of the submissions do not count toward it. Last evaluated 2026-01-22.

Conditions:
Monogenic diabetes. Identifiers: Orphanet 183625, MedGen C3888631, MONDO:0015967.
RFX6-related disorder. Also called: RFX6-related condition.
Hypoplastic pancreas-intestinal atresia-hypoplastic gallbalder syndrome. Also called: DIABETES, NEONATAL, WITH PANCREATIC HYPOPLASIA, INTESTINAL ATRESIA, AND GALLBLADDER APLASIA OR HYPOPLASIA; Mitchell-Riley syndrome. Identifiers: Orphanet 293864, MedGen C2748662, MONDO:0017400, OMIM 615710.

Allele frequency attached by ClinVar (database versions not stated): 1000 Genomes Project 0.00140; gnomAD 0.00143; 1000 Genomes Project 30x 0.00156; ESP Exome Variant Server 0.00200; TOPMed 0.00221; ExAC 0.00230.

Submissions (11):

Labcorp Genetics (formerly Invitae), Labcorp
Classification: Likely benign. Last evaluated: 2026-01-22. Review status: criteria provided, single submitter. Criteria: Invitae Variant Classification Sherloc (09022015). Collection method: clinical testing. Allele origin: germline.

ARUP Laboratories, Molecular Genetics and Genomics, ARUP Laboratories
Classification: Likely benign for Hypoplastic pancreas-intestinal atresia-hypoplastic gallbalder syndrome. Last evaluated: 2025-07-01. Review status: criteria provided, single submitter. Criteria: ARUP Molecular Germline Variant Investigation Process 2024. Collection method: clinical testing. Allele origin: germline.

Blueprint Genetics
Classification: Likely benign. Last evaluated: 2024-11-20. Review status: criteria provided, single submitter. Criteria: ACMG Guidelines, 2015. Collection method: clinical testing. Allele origin: germline.

CeGaT Center for Human Genetics Tuebingen
Classification: Likely benign. Last evaluated: 2023-03-01. Review status: criteria provided, single submitter. Criteria: CeGaT Center For Human Genetics Tuebingen Variant Classification Criteria Version 2. Collection method: clinical testing. Allele origin: germline. Affected: yes. Observed: 1 variant allele.
Comment: RFX6: BS2

GeneDx
Classification: Likely benign. Last evaluated: 2021-05-05. Review status: criteria provided, single submitter. Criteria: GeneDx Variant Classification Process June 2021. Collection method: clinical testing. Allele origin: germline. Affected: yes.

Personalized Diabetes Medicine Program, University of Maryland School of Medicine
Classification: Likely benign for Monogenic diabetes. Last evaluated: 2018-03-02. Review status: criteria provided, single submitter. Criteria: ACMG Guidelines, 2015. Collection method: research. Allele origin: unknown. Observed: 2 variant alleles, 2 heterozygotes.
Comment: ACMG criteria: PP3 (6 predictors), BP4 (4 predictors), BS2 (2 homozygotes in gnomAD and T2DM has 27 cases and 23 controls)=likely benign

Biomedical Genomics and Oncogenetics Laboratory, Institut Pasteur de Tunis, University Tunis El Manar
Classification: Uncertain significance. Last evaluated: 2016-02-16. Review status: criteria provided, single submitter. Criteria: ACMG Guidelines, 2015. Collection method: research. Allele origin: germline. Affected: yes. Observed: 2 variant alleles.

Genetic Services Laboratory, University of Chicago
Classification: Uncertain significance. Last evaluated: 2016-02-16. Review status: criteria provided, single submitter. Criteria: ACMG Guidelines, 2015. Collection method: clinical testing. Allele origin: germline. Affected: no.

PreventionGenetics, part of Exact Sciences
Classification: Likely benign for RFX6-related condition. Last evaluated: 2020-10-14. Review status: no assertion criteria provided. Collection method: clinical testing. Allele origin: germline. Not counted in ClinVar's aggregate classification.
Comment: This variant is classified as likely benign based on ACMG/AMP sequence variant interpretation guidelines (Richards et al. 2015 PMID: 25741868, with internal and published modifications).

Clinical Genetics DNA and cytogenetics Diagnostics Lab, Erasmus MC, Erasmus Medical Center
Classification: Likely benign. Review status: no assertion criteria provided. Collection method: clinical testing. Allele origin: germline. Affected: yes. Study: VKGL Data-share Consensus. Not counted in ClinVar's aggregate classification.

Laboratory of Diagnostic Genome Analysis, Leiden University Medical Center (LUMC)
Classification: Likely benign. Review status: no assertion criteria provided. Collection method: clinical testing. Allele origin: germline. Affected: yes. Study: VKGL Data-share Consensus. Not counted in ClinVar's aggregate classification.